The following is an entry in ClinVar:

NM_015378.4(VPS13D):c.374G>A (p.Arg125His)

Gene: VPS13D (vacuolar protein sorting 13 homolog D; plus strand). Cytogenetic location: 1p36.22.
Variant type: single nucleotide variant.
Coding change: c.374G>A on transcript NM_015378.4 (MANE Select); coding-DNA position 374, G replaced by A.
Protein change: p.Arg125His; replaces arginine 125 with histidine.
Molecular consequence: missense variant.
Genome position (GRCh38, 1-based): chr1:12,244,544, G>A. VCF-style: chr1-12244544-G-A. GRCh37 (hg19) VCF-style: chr1-12304601-G-A.
Other names: c.374G>A, p.Arg125His (NM_018156.4); short protein forms R125H.
Identifiers: ClinVar variation 1923815 (VCV001923815.5), dbSNP rs758174739, ClinGen allele CA601192.

ClinVar aggregate classification (germline): Uncertain significance (1 of 4 stars; one submission).

Allele frequency attached by ClinVar (database versions not stated): gnomAD exomes 0.00001; ExAC 0.00002.
gnomAD v4.1: 18 of 1,614,214 alleles (0.0011%); highest among the groups gnomAD compares: South Asian, 0.013%; no homozygotes.

Submission:

Labcorp Genetics (formerly Invitae), Labcorp
Classification: Uncertain significance. Last evaluated: 2022-02-25. Review status: criteria provided, single submitter. Criteria: Invitae Variant Classification Sherloc (09022015). Collection method: clinical testing. Allele origin: germline.
Comment: In summary, the available evidence is currently insufficient to determine the role of this variant in disease. Therefore, it has been classified as a Variant of Uncertain Significance. Algorithms developed to predict the effect of missense changes on protein structure and function are either unavailable or do not agree on the potential impact of this missense change (SIFT: "Not Available"; PolyPhen-2: "Benign"; Align-GVGD: "Not Available"). This variant has not been reported in the literature in individuals affected with VPS13D-related conditions. This variant is present in population databases (rs758174739, gnomAD 0.01%). This sequence change replaces arginine, which is basic and polar, with histidine, which is basic and polar, at codon 125 of the VPS13D protein (p.Arg125His).